The following is an entry in ClinVar:

NM_001082486.2(ACD):c.666C>T (p.Val222=)

Gene: ACD (ACD shelterin complex subunit and telomerase recruitment factor; minus strand). Cytogenetic location: 16q22.1.
Variant type: single nucleotide variant.
Coding change: c.666C>T on transcript NM_001082486.2 (MANE Select); coding-DNA position 666, C replaced by T.
Protein change: p.Val222=; no amino-acid change (valine 222 retained).
Molecular consequence: synonymous variant.
Genome position (GRCh38, 1-based): chr16:67,658,796, G>A on the plus strand (C>T on the coding strand, the complement: ACD is on the minus strand). VCF-style: chr16-67658796-G-A. GRCh37 (hg19) VCF-style: chr16-67692699-G-A.
Other names: c.657C>T, p.Val219= (NM_022914.3).
Identifiers: ClinVar variation 796540 (VCV000796540.21), dbSNP rs374438854, ClinGen allele CA8114576.

ClinVar aggregate classification (germline): Likely benign. Review status: criteria provided, multiple submitters, no conflicts (2 of 4 stars). 3 submissions from 3 submitters: Likely benign (3). Last evaluated 2025-12-28.

Conditions:
Inborn genetic diseases. Identifiers: MedGen C0950123, MeSH D030342.
Dyskeratosis congenita, autosomal dominant 6 (DKCA6). Identifiers: Orphanet 3322, MedGen C4225284, MONDO:0014690, OMIM 616553.

Allele frequency attached by ClinVar (database versions not stated): gnomAD 0.00001; gnomAD exomes 0.00001 and 0.00004; TOPMed 0.00001; ExAC 0.00008; ESP Exome Variant Server 0.00008.
gnomAD v4.1: 16 of 1,613,246 alleles (0.00099%); highest among the groups gnomAD compares: Non-Finnish European, 0.0014%; no homozygotes.

Submissions (3):

Labcorp Genetics (formerly Invitae), Labcorp
Classification: Likely benign for Dyskeratosis congenita, autosomal dominant 6. Last evaluated: 2025-12-28. Review status: criteria provided, single submitter. Criteria: Invitae Variant Classification Sherloc (09022015). Collection method: clinical testing. Allele origin: germline.

CeGaT Center for Human Genetics Tuebingen
Classification: Likely benign. Last evaluated: 2025-06-01. Review status: criteria provided, single submitter. Criteria: CeGaT Center For Human Genetics Tuebingen Variant Classification Criteria Version 2. Collection method: clinical testing. Allele origin: germline. Affected: yes. Observed: 1 variant allele.
Comment: ACD: BP4, BP7

Ambry Genetics
Classification: Likely benign for Inborn genetic diseases. Last evaluated: 2022-04-29. Review status: criteria provided, single submitter. Criteria: Ambry Variant Classification Scheme 2023. Collection method: clinical testing. Allele origin: germline.